The following is an entry in ClinVar:

NM_001367721.1(CASK):c.4G>A (p.Ala2Thr)

Gene: CASK (calcium/calmodulin dependent serine protein kinase; minus strand). Cytogenetic location: Xp11.4.
Variant type: single nucleotide variant.
Coding change: c.4G>A on transcript NM_001367721.1 (MANE Select); coding-DNA position 4, G replaced by A.
Protein change: p.Ala2Thr; replaces alanine 2 with threonine.
Molecular consequence: missense variant.
Genome position (GRCh38, 1-based): chrX:41,922,985, C>T on the plus strand (G>A on the coding strand, the complement: CASK is on the minus strand). VCF-style: chrX-41922985-C-T. GRCh37 (hg19) VCF-style: chrX-41782238-C-T.
Other names: c.4G>A, p.Ala2Thr (NM_001126054.3, NM_001126055.3, NM_001410745.1 and 1 more transcripts); short protein forms A2T.
Identifiers: ClinVar variation 3252396 (VCV003252396.1), dbSNP rs2520195945.
Genomic context (GRCh38, chrX:41,922,985, plus strand): 5'-CTCACTTTCCGATCACCTCGCACAGCTCGTACACATCCTCGAACAGCACGTCGTCGTCGG[C>T]CATGGTCCGGAGGGGATAGCGGCCGCAGCGTGGAGGGCTTCGAAAACGGGGGTGGGGGCG-3'
Protein context (NP_001354650.1, residues 1-12): M[Ala2Thr]DDDVLFEDVY

ClinVar aggregate classification (germline): Uncertain significance (1 of 4 stars; one submission).

Submission:

GeneDx
Classification: Uncertain significance. Last evaluated: 2023-12-07. Review status: criteria provided, single submitter. Criteria: GeneDx Variant Classification Process June 2021. Collection method: clinical testing. Allele origin: germline. Affected: yes.
Comment: Not observed at significant frequency in large population cohorts (gnomAD); In silico analysis supports that this missense variant does not alter protein structure/function; Has not been previously published as pathogenic or benign to our knowledge